The following is an entry in ClinVar:

ClinVar aggregate classification (germline): Uncertain significance (1 of 4 stars; one submission).

Conditions:
Sialuria. Also called: Sialic Acid Storage Disease; SIALURIA, FRENCH TYPE. Identifiers: Orphanet 3166, MedGen C0342853, MONDO:0010028, OMIM 269921.
GNE myopathy (NM). Also called: NONAKA DISTAL MYOPATHY; INCLUSION BODY MYOPATHY, HEREDITARY, AUTOSOMAL RECESSIVE; INCLUSION BODY MYOPATHY 2, AUTOSOMAL RECESSIVE; IBM 2; Inclusion body myopathy autosomal recessive; Inclusion body myopathy quadriceps sparing. Identifiers: Orphanet 602, MedGen C1853926, MONDO:0011603, OMIM 605820.

Submission:

Labcorp Genetics (formerly Invitae), Labcorp
Classification: Uncertain significance for Sialuria; GNE myopathy. Last evaluated: 2024-02-23. Review status: criteria provided, single submitter. Criteria: Invitae Variant Classification Sherloc (09022015). Collection method: clinical testing. Allele origin: germline.
Comment: This sequence change replaces glycine, which is neutral and non-polar, with serine, which is neutral and polar, at codon 507 of the GNE protein (p.Gly507Ser). This variant is not present in population databases (gnomAD no frequency). This variant has not been reported in the literature in individuals affected with GNE-related conditions. ClinVar contains an entry for this variant (Variation ID: 1366231). Advanced modeling of protein sequence and biophysical properties (such as structural, functional, and spatial information, amino acid conservation, physicochemical variation, residue mobility, and thermodynamic stability) has been performed at Invitae for this missense variant, however the output from this modeling did not meet the statistical confidence thresholds required to predict the impact of this variant on GNE protein function. In summary, the available evidence is currently insufficient to determine the role of this variant in disease. Therefore, it has been classified as a Variant of Uncertain Significance.

NM_005476.7(GNE):c.1426G>A (p.Gly476Ser)

Gene: GNE (glucosamine (UDP-N-acetyl)-2-epimerase/N-acetylmannosamine kinase; minus strand). Cytogenetic location: 9p13.3.
Variant type: single nucleotide variant.
Coding change: c.1426G>A on transcript NM_005476.7 (MANE Select); coding-DNA position 1426, G replaced by A.
Protein change: p.Gly476Ser; replaces glycine 476 with serine.
Molecular consequence: missense variant. On other transcripts: intron variant (1).
Genome position (GRCh38, 1-based): chr9:36,222,984, C>T on the plus strand (G>A on the coding strand, the complement: GNE is on the minus strand). VCF-style: chr9-36222984-C-T. GRCh37 (hg19) VCF-style: chr9-36222981-C-T.
Other names: c.1519G>A, p.Gly507Ser (NM_001128227.3); c.1096G>A, p.Gly366Ser (NM_001190384.3); c.1249G>A, p.Gly417Ser (NM_001190388.2, NM_001374798.1); c.1273G>A, p.Gly425Ser (NM_001374797.1); c.1411+389G>A (NM_001190383.3); short protein forms G425S, G417S, G366S, G476S, G507S.
Identifiers: ClinVar variation 1366231 (VCV001366231.6), dbSNP rs2133022363, ClinGen allele CA373426938.